The following is an entry in ClinVar:

ClinVar aggregate classification (germline): Uncertain significance (1 of 4 stars; one submission).

Conditions:
Charcot-Marie-Tooth disease axonal type 2L. Also called: Charcot-Marie-Tooth Neuropathy Type 2L; CHARCOT-MARIE-TOOTH DISEASE, AXONAL, AUTOSOMAL DOMINANT, TYPE 2L; CHARCOT-MARIE-TOOTH NEUROPATHY, AXONAL, TYPE 2L. Identifiers: Orphanet 99945, MedGen C1837552, MONDO:0012096, OMIM 608673.

Allele frequency attached by ClinVar (database versions not stated): TOPMed below 0.00001; gnomAD 0.00001.

Submission:

Labcorp Genetics (formerly Invitae), Labcorp
Classification: Uncertain significance for Charcot-Marie-Tooth disease axonal type 2L. Last evaluated: 2022-06-15. Review status: criteria provided, single submitter. Criteria: Invitae Variant Classification Sherloc (09022015). Collection method: clinical testing. Allele origin: germline.
Comment: This sequence change replaces arginine, which is basic and polar, with histidine, which is basic and polar, at codon 29 of the HSPB8 protein (p.Arg29His). This variant is present in population databases (no rsID available, gnomAD 0.003%). This variant has not been reported in the literature in individuals affected with HSPB8-related conditions. Algorithms developed to predict the effect of missense changes on protein structure and function are either unavailable or do not agree on the potential impact of this missense change (SIFT: "Deleterious"; PolyPhen-2: "Possibly Damaging"; Align-GVGD: "Class C0"). In summary, the available evidence is currently insufficient to determine the role of this variant in disease. Therefore, it has been classified as a Variant of Uncertain Significance.

NM_014365.3(HSPB8):c.86G>A (p.Arg29His)

Gene: HSPB8 (heat shock protein family B (small) member 8; plus strand). Cytogenetic location: 12q24.23.
Variant type: single nucleotide variant.
Coding change: c.86G>A on transcript NM_014365.3 (MANE Select); coding-DNA position 86, G replaced by A.
Protein change: p.Arg29His; replaces arginine 29 with histidine.
Molecular consequence: missense variant.
Genome position (GRCh38, 1-based): chr12:119,179,398, G>A. VCF-style: chr12-119179398-G-A. GRCh37 (hg19) VCF-style: chr12-119617203-G-A.
Other names: short protein forms R29H.
Identifiers: ClinVar variation 1897842 (VCV001897842.5), dbSNP rs1343984954, ClinGen allele CA386524092.